The following is an entry in ClinVar:

NM_000321.3(RB1):c.1051T>G (p.Phe351Val)

Gene: RB1 (RB transcriptional corepressor 1; plus strand). Cytogenetic location: 13q14.2.
Variant type: single nucleotide variant.
Coding change: c.1051T>G on transcript NM_000321.3 (MANE Select); coding-DNA position 1051, T replaced by G.
Protein change: p.Phe351Val; replaces phenylalanine 351 with valine.
Molecular consequence: missense variant.
Genome position (GRCh38, 1-based): chr13:48,368,528, T>G. VCF-style: chr13-48368528-T-G. GRCh37 (hg19) VCF-style: chr13-48942664-T-G.
Other names: c.1051T>G, p.Phe351Val (NM_001407165.1, NM_001407166.1); short protein forms F351V.
Identifiers: ClinVar variation 2068385 (VCV002068385.5), dbSNP rs2542189712, ClinGen allele CA388161058.

ClinVar aggregate classification (germline): Uncertain significance. Review status: criteria provided, multiple submitters, no conflicts (2 of 4 stars). 2 submissions from 2 submitters: Uncertain significance (2). Last evaluated 2024-03-28.

Conditions:
Hereditary cancer-predisposing syndrome. Also called: Neoplastic Syndromes, Hereditary; Hereditary Cancer Syndrome; Tumor predisposition; Hereditary neoplastic syndrome. Identifiers: Orphanet 140162, MedGen C0027672, MeSH D009386, MONDO:0015356.
Retinoblastoma (RB1). Also called: RETINOBLASTOMA, SOMATIC. Identifiers: Orphanet 790, MedGen C0035335, MeSH D012175, MONDO:0008380, OMIM 180200, HP:0009919. Disease mechanism: loss of function. Inheritance: Both sporadic and heritable forms are tested..

Submissions (2):

Ambry Genetics
Classification: Uncertain significance for Hereditary cancer-predisposing syndrome. Last evaluated: 2024-03-28. Review status: criteria provided, single submitter. Criteria: Ambry Variant Classification Scheme 2023. Collection method: clinical testing. Allele origin: germline.
Comment: The p.F351V variant (also known as c.1051T>G), located in coding exon 11 of the RB1 gene, results from a T to G substitution at nucleotide position 1051. The phenylalanine at codon 351 is replaced by valine, an amino acid with highly similar properties. This amino acid position is conserved. In addition, the in silico prediction for this alteration is inconclusive. Based on the available evidence, the clinical significance of this alteration remains unclear.

Labcorp Genetics (formerly Invitae), Labcorp
Classification: Uncertain significance for Retinoblastoma. Last evaluated: 2022-01-04. Review status: criteria provided, single submitter. Criteria: Invitae Variant Classification Sherloc (09022015). Collection method: clinical testing. Allele origin: germline.
Comment: In summary, the available evidence is currently insufficient to determine the role of this variant in disease. Therefore, it has been classified as a Variant of Uncertain Significance. Algorithms developed to predict the effect of missense changes on protein structure and function (SIFT, PolyPhen-2, Align-GVGD) all suggest that this variant is likely to be tolerated. This variant has not been reported in the literature in individuals affected with RB1-related conditions. This variant is not present in population databases (gnomAD no frequency). This sequence change replaces phenylalanine, which is neutral and non-polar, with valine, which is neutral and non-polar, at codon 351 of the RB1 protein (p.Phe351Val).